The following is an entry in ClinVar:

ClinVar aggregate classification (germline): Uncertain significance (1 of 4 stars; one submission).

Submission:

Labcorp Genetics (formerly Invitae), Labcorp
Classification: Uncertain significance. Last evaluated: 2022-03-13. Review status: criteria provided, single submitter. Criteria: Invitae Variant Classification Sherloc (09022015). Collection method: clinical testing. Allele origin: germline.
Comment: Advanced modeling of protein sequence and biophysical properties (such as structural, functional, and spatial information, amino acid conservation, physicochemical variation, residue mobility, and thermodynamic stability) performed at Invitae indicates that this missense variant is expected to disrupt COL4A4 protein function. In summary, the available evidence is currently insufficient to determine the role of this variant in disease. Therefore, it has been classified as a Variant of Uncertain Significance. This sequence change replaces glycine, which is neutral and non-polar, with arginine, which is basic and polar, at codon 1261 of the COL4A4 protein (p.Gly1261Arg). This variant is not present in population databases (gnomAD no frequency). This variant has not been reported in the literature in individuals affected with COL4A4-related conditions.

NM_000092.5(COL4A4):c.3781G>A (p.Gly1261Arg)

Gene: COL4A4 (collagen type IV alpha 4 chain; minus strand). Cytogenetic location: 2q36.3.
Variant type: single nucleotide variant.
Coding change: c.3781G>A on transcript NM_000092.5 (MANE Select); coding-DNA position 3781, G replaced by A.
Protein change: p.Gly1261Arg; replaces glycine 1261 with arginine.
Molecular consequence: missense variant.
Genome position (GRCh38, 1-based): chr2:227,031,981, C>T on the plus strand (G>A on the coding strand, the complement: COL4A4 is on the minus strand). VCF-style: chr2-227031981-C-T. GRCh37 (hg19) VCF-style: chr2-227896697-C-T.
Other names: short protein forms G1261R.
Identifiers: ClinVar variation 2110746 (VCV002110746.4), dbSNP rs2473340255, ClinGen allele CA350837565.